The following is an entry in ClinVar:

ClinVar aggregate classification (germline): Uncertain significance (1 of 4 stars; one submission).

Conditions:
Arrhythmogenic right ventricular dysplasia 13. Also called: ARRHYTHMOGENIC RIGHT VENTRICULAR CARDIOMYOPATHY 13; Arrhythmogenic right ventricular dysplasia, familial, 13. Identifiers: MedGen C3810138, MONDO:0000908, OMIM 615616.

Submission:

Labcorp Genetics (formerly Invitae), Labcorp
Classification: Uncertain significance for Arrhythmogenic right ventricular dysplasia 13. Last evaluated: 2022-12-20. Review status: criteria provided, single submitter. Criteria: Invitae Variant Classification Sherloc (09022015). Collection method: clinical testing. Allele origin: germline.
Comment: In summary, the available evidence is currently insufficient to determine the role of this variant in disease. Therefore, it has been classified as a Variant of Uncertain Significance. Experimental studies and prediction algorithms are not available or were not evaluated, and the functional significance of this variant is currently unknown. This variant has not been reported in the literature in individuals affected with CTNNA3-related conditions. Information on the frequency of this variant in the gnomAD database is not available, as this variant may be reported differently in the database. This sequence change replaces alanine, which is neutral and non-polar, with threonine, which is neutral and polar, at codon 735 of the CTNNA3 protein (p.Ala735Thr).

NM_013266.4(CTNNA3):c.2202_2203delinsCA (p.Ala735Thr)

Gene: CTNNA3 (catenin alpha 3; minus strand). Cytogenetic location: 10q21.3.
Variant type: Indel.
Coding change: c.2202_2203delinsCA on transcript NM_013266.4 (MANE Select); coding-DNA positions 2202 to 2203, AG replaced by CA.
Protein change: p.Ala735Thr; replaces alanine 735 with threonine.
Molecular consequence: missense variant.
Genome position (GRCh38, 1-based): chr10:65,988,754-65,988,755, CT replaced by TG on the plus strand (AG replaced by CA on the coding strand, the reverse complement: CTNNA3 is on the minus strand). VCF-style: chr10-65988754-CT-TG. GRCh37 (hg19) VCF-style: chr10-67748512-CT-TG.
Other names: c.2202_2203delinsCA, p.Ala735Thr (NM_001127384.3); short protein forms A735T.
Identifiers: ClinVar variation 2822396 (VCV002822396.3), dbSNP rs2492758231, ClinGen allele CA2739275719.